The following is an entry in ClinVar:

NM_173598.6(KSR2):c.1607T>C (p.Leu536Pro)

Gene: KSR2 (kinase suppressor of ras 2; minus strand). Cytogenetic location: 12q24.22.
Variant type: single nucleotide variant.
Coding change: c.1607T>C on transcript NM_173598.6 (MANE Select); coding-DNA position 1607, T replaced by C.
Protein change: p.Leu536Pro; replaces leucine 536 with proline.
Molecular consequence: missense variant.
Genome position (GRCh38, 1-based): chr12:117,539,799, A>G on the plus strand (T>C on the coding strand, the complement: KSR2 is on the minus strand). VCF-style: chr12-117539799-A-G. GRCh37 (hg19) VCF-style: chr12-117977604-A-G.
Other names: short protein forms L536P.
Identifiers: ClinVar variation 3354346 (VCV003354346.1).

ClinVar aggregate classification (germline): Uncertain significance (0 of 4 stars; one submission).

Conditions:
KSR2-related disorder. Also called: KSR2-related condition.

gnomAD v4.1: 4 of 1,606,144 alleles (0.00025%); highest among the groups gnomAD compares: Non-Finnish European, 0.00034%; no homozygotes.

Submission:

PreventionGenetics, part of Exact Sciences
Classification: Uncertain significance for KSR2-related condition. Last evaluated: 2024-07-24. Review status: no assertion criteria provided. Collection method: clinical testing. Allele origin: germline.
Comment: The KSR2 c.1520T>C variant is predicted to result in the amino acid substitution p.Leu507Pro. To our knowledge, this variant has not been reported in the literature. This variant is reported in 0.00092% of alleles in individuals of European (Non-Finnish) descent in gnomAD. At this time, the clinical significance of this variant is uncertain due to the absence of conclusive functional and genetic evidence.